The following is an entry in ClinVar:

ClinVar aggregate classification (germline): Uncertain significance (1 of 4 stars; one submission).

Submission:

Ambry Genetics
Classification: Uncertain significance. Last evaluated: 2022-07-17. Review status: criteria provided, single submitter. Criteria: Ambry Variant Classification Scheme 2023. Collection method: clinical testing. Allele origin: germline.
Comment: The p.C649W variant (also known as c.1947C>G), located in coding exon 13 of the RINT1 gene, results from a C to G substitution at nucleotide position 1947. The cysteine at codon 649 is replaced by tryptophan, an amino acid with highly dissimilar properties. This amino acid position is conserved. In addition, the in silico prediction for this alteration is inconclusive. Since supporting evidence is limited at this time, the clinical significance of this alteration remains unclear.

NM_021930.6(RINT1):c.1947C>G (p.Cys649Trp)

Genes: EFCAB10 (EF-hand calcium binding domain 10; minus strand), RINT1 (RAD50 interactor 1; plus strand). Cytogenetic location: 7q22.3.
Variant type: single nucleotide variant.
Coding change: c.1947C>G on transcript NM_021930.6 (MANE Select); coding-DNA position 1947, C replaced by G.
Protein change: p.Cys649Trp; replaces cysteine 649 with tryptophan.
Molecular consequence: missense variant. On other transcripts: 3 prime UTR variant (3), non-coding transcript variant (1).
Genome position (GRCh38, 1-based): chr7:105,565,337, C>G. VCF-style: chr7-105565337-C-G. GRCh37 (hg19) VCF-style: chr7-105205784-C-G.
Other names: c.*110G>C (NM_001355526.2); c.*212G>C (NM_001355530.2); c.*65G>C (NM_001355531.2); c.1713C>G, p.Cys571Trp (NM_001346599.2); c.924C>G, p.Cys308Trp (NM_001346600.2, NM_001346603.2); c.1023C>G, p.Cys341Trp (NM_001346601.2); short protein forms C571W, C649W, C341W, C308W.
Identifiers: ClinVar variation 1783148 (VCV001783148.2), dbSNP rs2133476241, ClinGen allele CA368814759.